The following is an entry in ClinVar:

ClinVar aggregate classification (germline): Pathogenic/Likely pathogenic. Review status: criteria provided, multiple submitters, no conflicts (2 of 4 stars). 3 submissions from 3 submitters: Pathogenic (1); Likely pathogenic (2). Last evaluated 2025-06-22.

Conditions:
Spondylometaphyseal dysplasia, Sedaghatian type. Also called: Lethal metaphyseal dysplasia; METAPHYSEAL CHONDRODYSPLASIA, CONGENITAL LETHAL; SEDAGHATIAN CHONDRODYSPLASIA. Identifiers: Orphanet 93317, MedGen C1855229, MONDO:0009593, OMIM 250220.

Submissions (3):

Labcorp Genetics (formerly Invitae), Labcorp
Classification: Pathogenic. Last evaluated: 2025-06-22. Review status: criteria provided, single submitter. Criteria: Invitae Variant Classification Sherloc (09022015). Collection method: clinical testing. Allele origin: germline.
Comment: This sequence change creates a premature translational stop signal (p.Trp183*) in the GPX4 gene. It is expected to result in an absent or disrupted protein product. Loss-of-function variants in GPX4 are known to be pathogenic (PMID: 24706940). This variant is present in population databases (rs772394824, gnomAD 0.07%). This variant has not been reported in the literature in individuals affected with GPX4-related conditions. ClinVar contains an entry for this variant (Variation ID: 1422567). For these reasons, this variant has been classified as Pathogenic.

3billion
Classification: Likely pathogenic for Spondylometaphyseal dysplasia, Sedaghatian type. Last evaluated: 2023-02-23. Review status: criteria provided, single submitter. Criteria: ACMG Guidelines, 2015. Collection method: clinical testing. Allele origin: unknown. Affected: yes.
Comment: The variant is observed at an extremely low frequency in the gnomAD v2.1.1 dataset (total allele frequency: 0.006%). This variant was predicted to result in a loss or disruption of normal protein function through nonsense-mediated decay (NMD) or protein truncation. Multiple pathogenic variants are reported downstream of the variant. Therefore, this variant is classified as Likely pathogenic according to the recommendation of ACMG/AMP guideline.

Juno Genomics, Hangzhou Juno Genomics, Inc
Classification: Likely pathogenic for Spondylometaphyseal dysplasia, Sedaghatian type. Review status: criteria provided, single submitter. Criteria: ACMG Guidelines, 2015. Collection method: clinical testing. Allele origin: germline.
Comment: Absent from controls (or at extremely low frequency if recessive) in Genome Aggregation Database.;Null variant in a gene where loss of function (LOF) is a known mechanism of disease.

Literature cited by the submitters: PubMed 24706940 (cited by Labcorp Genetics (formerly Invitae), Labcorp).

NM_002085.5(GPX4):c.438_441del (p.Lys145_Trp146insTer)

Gene: GPX4 (glutathione peroxidase 4; plus strand). Cytogenetic location: 19p13.3.
Variant type: Deletion.
Coding change: c.438_441del on transcript NM_002085.5 (MANE Select); coding-DNA positions 438 to 441, 4 bases deleted (GATG; older notation c.438_441delGATG).
Protein change: p.Lys145_Trp146insTer.
Molecular consequence: nonsense.
Genome position (GRCh38, 1-based): chr19:1,105,771-1,105,774, GATG deleted; deleting any 4 consecutive bases within chr19:1,105,769-1,105,774 gives the same sequence; the c. name uses the placement nearest the transcript's 3' end. VCF-style (leftmost placement, unchanged base first): chr19-1105768-GTGGA-G. GRCh37 (hg19) VCF-style: chr19-1105767-GTGGA-G.
Other names: c.438_441del, p.Lys145_Trp146insTer (NM_001039847.3); c.549_552del, p.Lys182_Trp183insTer (NM_001039848.4); c.357_360del, p.Lys118_Trp119insTer (NM_001367832.1).
Identifiers: ClinVar variation 1422567 (VCV001422567.8), dbSNP rs772394824, ClinGen allele CA9037361.